The following is an entry in ClinVar:

NM_000257.4(MYH7):c.5481G>A (p.Glu1827=)

Gene: MYH7 (myosin heavy chain 7; minus strand). Cytogenetic location: 14q11.2.
Variant type: single nucleotide variant.
Coding change: c.5481G>A on transcript NM_000257.4 (MANE Select); coding-DNA position 5481, G replaced by A.
Protein change: p.Glu1827=; no amino-acid change (glutamic acid 1827 retained).
Molecular consequence: synonymous variant.
Genome position (GRCh38, 1-based): chr14:23,415,073, C>T on the plus strand (G>A on the coding strand, the complement: MYH7 is on the minus strand). VCF-style: chr14-23415073-C-T. GRCh37 (hg19) VCF-style: chr14-23884282-C-T.
Other names: c.5481G>A (LRG_384t1).
Identifiers: ClinVar variation 237440 (VCV000237440.26), dbSNP rs368848344, ClinGen allele CA046896.

ClinVar aggregate classification (germline): Benign/Likely benign. Review status: criteria provided, multiple submitters, no conflicts (2 of 4 stars). 6 submissions from 6 submitters: Benign (1); Likely benign (5). Last evaluated 2026-01-17.

Conditions:
Cardiovascular phenotype. Identifiers: MedGen CN230736.
Cardiomyopathy (CMYO). Also called: Cardiomyopathies. Identifiers: Orphanet 167848, MedGen C0878544, MONDO:0004994, HP:0001638. Inheritance: Various modes of inheritance.
Hypertrophic cardiomyopathy. Also called: HYPERTROPHIC MYOCARDIOPATHY. Identifiers: Orphanet 217569, MedGen C0007194, MeSH D002312, MONDO:0005045, HP:0001639.

Allele frequency attached by ClinVar (database versions not stated): ESP Exome Variant Server 0.00015; ExAC 0.00003; gnomAD 0.00003; TOPMed 0.00003.
gnomAD v4.1: 37 of 1,613,586 alleles (0.0023%); highest among the groups gnomAD compares: Non-Finnish European, 0.0028%; no homozygotes.

Submissions (6):

Labcorp Genetics (formerly Invitae), Labcorp
Classification: Likely benign for Hypertrophic cardiomyopathy. Last evaluated: 2026-01-17. Review status: criteria provided, single submitter. Criteria: Invitae Variant Classification Sherloc (09022015). Collection method: clinical testing. Allele origin: germline.

CeGaT Center for Human Genetics Tuebingen
Classification: Likely benign. Last evaluated: 2025-04-01. Review status: criteria provided, single submitter. Criteria: CeGaT Center For Human Genetics Tuebingen Variant Classification Criteria Version 2. Collection method: clinical testing. Allele origin: germline. Affected: yes. Observed: 2 variant alleles.
Comment: MYH7: BP4

All of Us Research Program, National Institutes of Health
Classification: Likely benign for Cardiomyopathy. Last evaluated: 2023-10-06. Review status: criteria provided, single submitter. Criteria: ACMG Guidelines, 2015. Collection method: clinical testing. Allele origin: germline. Inheritance: Autosomal dominant inheritance. Observed: 4 variant alleles, 4 heterozygotes.
Comment: This study involves interpretation of variants in research participants for the purpose of population health screening. Participant phenotype was not available at the time of variant classification. Additional details can be found in publication PMID: 35346344, PMCID: PMC8962531

Ambry Genetics
Classification: Likely benign for Cardiovascular phenotype. Last evaluated: 2019-03-22. Review status: criteria provided, single submitter. Criteria: Ambry Variant Classification Scheme 2023. Collection method: clinical testing. Allele origin: germline.

Color Diagnostics, LLC DBA Color Health
Classification: Likely benign for Cardiomyopathy. Last evaluated: 2018-12-04. Review status: criteria provided, single submitter. Criteria: ACMG Guidelines, 2015. Collection method: clinical testing. Allele origin: germline.

GeneDx
Classification: Benign. Last evaluated: 2015-03-03. Review status: criteria provided, single submitter. Criteria: GeneDx Variant Classification Process June 2021. Collection method: clinical testing. Allele origin: germline. Affected: yes.